The following is an entry in ClinVar:

ClinVar aggregate classification (germline): Pathogenic (1 of 4 stars; one submission).

Submission:

Labcorp Genetics (formerly Invitae), Labcorp
Classification: Pathogenic. Last evaluated: 2021-07-26. Review status: criteria provided, single submitter. Criteria: Invitae Variant Classification Sherloc (09022015). Collection method: clinical testing. Allele origin: germline.
Comment: This variant is not present in population databases (ExAC no frequency). This variant has not been reported in the literature in individuals with MCM3AP-related conditions. For these reasons, this variant has been classified as Pathogenic. This sequence change creates a premature translational stop signal (p.Ser369Cysfs*4) in the MCM3AP gene. It is expected to result in an absent or disrupted protein product. Loss-of-function variants in MCM3AP are known to be pathogenic (PMID: 28633435).

Literature cited by the submitters: PubMed 28633435.

NM_003906.5(MCM3AP):c.1106_1107del (p.Ser369fs)

Gene: MCM3AP (minichromosome maintenance complex component 3 associated protein; minus strand). Cytogenetic location: 21q22.3.
Variant type: Deletion.
Coding change: c.1106_1107del on transcript NM_003906.5 (MANE Select); coding-DNA positions 1106 to 1107, 2 bases deleted (CT; older notation c.1106_1107delCT).
Protein change: p.Ser369fs; shifts the reading frame from serine 369.
Molecular consequence: frameshift variant.
Genome position (GRCh38, 1-based): chr21:46,284,180-46,284,181, AG deleted on the plus strand (CT on the coding strand, the reverse complement: MCM3AP is on the minus strand); deleting any 2 consecutive bases within chr21:46,284,180-46,284,182 gives the same sequence; the c. name uses the placement nearest the transcript's 3' end. VCF-style (leftmost placement, unchanged base first): chr21-46284179-CAG-C. GRCh37 (hg19) VCF-style: chr21-47704093-CAG-C.
Other names: short protein forms S369fs.
Identifiers: ClinVar variation 1456374 (VCV001456374.6), dbSNP rs2081369871, ClinGen allele CA1022906148.